The following is an entry in ClinVar:

ClinVar aggregate classification (germline): Uncertain significance (1 of 4 stars; one submission).

Conditions:
Inborn genetic diseases. Identifiers: MedGen C0950123, MeSH D030342.

gnomAD v4.1: 3 of 1,608,130 alleles (0.00019%); highest among the groups gnomAD compares: Admixed American, 0.005%; no homozygotes.

Submission:

Ambry Genetics
Classification: Uncertain significance for Inborn genetic diseases. Last evaluated: 2024-12-20. Review status: criteria provided, single submitter. Criteria: Ambry Variant Classification Scheme 2023. Collection method: clinical testing. Allele origin: germline.
Comment: The p.R40L variant (also known as c.119G>T), located in coding exon 2 of the DDX41 gene, results from a G to T substitution at nucleotide position 119. The arginine at codon 40 is replaced by leucine, an amino acid with dissimilar properties. This amino acid position is conserved. In addition, this alteration is predicted to be tolerated by in silico analysis. Based on the available evidence, the clinical significance of this variant remains unclear.

NM_016222.4(DDX41):c.119G>T (p.Arg40Leu)

Gene: DDX41 (DEAD-box helicase 41; minus strand). Cytogenetic location: 5q35.3.
Variant type: single nucleotide variant.
Coding change: c.119G>T on transcript NM_016222.4 (MANE Select); coding-DNA position 119, G replaced by T.
Protein change: p.Arg40Leu; replaces arginine 40 with leucine.
Molecular consequence: missense variant. On other transcripts: 5 prime UTR variant (2).
Genome position (GRCh38, 1-based): chr5:177,516,744, C>A on the plus strand (G>T on the coding strand, the complement: DDX41 is on the minus strand). VCF-style: chr5-177516744-C-A. GRCh37 (hg19) VCF-style: chr5-176943745-C-A.
Other names: c.-537G>T (NM_001321732.2); c.-329G>T (NM_001321830.2); short protein forms R40L.
Identifiers: ClinVar variation 3838949 (VCV003838949.1).